The following is an entry in ClinVar:

ClinVar aggregate classification (germline): Uncertain significance (1 of 4 stars; one submission).

Submission:

Labcorp Genetics (formerly Invitae), Labcorp
Classification: Uncertain significance. Last evaluated: 2022-03-07. Review status: criteria provided, single submitter. Criteria: Invitae Variant Classification Sherloc (09022015). Collection method: clinical testing. Allele origin: germline.
Comment: This sequence change falls in intron 3 of the AP2S1 gene. It does not directly change the encoded amino acid sequence of the AP2S1 protein. It affects a nucleotide within the consensus splice site. This variant is not present in population databases (gnomAD no frequency). This variant has not been reported in the literature in individuals affected with AP2S1-related conditions. ClinVar contains an entry for this variant (Variation ID: 999292). Variants that disrupt the consensus splice site are a relatively common cause of aberrant splicing (PMID: 17576681, 9536098). Algorithms developed to predict the effect of sequence changes on RNA splicing suggest that this variant is not likely to affect RNA splicing. In summary, the available evidence is currently insufficient to determine the role of this variant in disease. Therefore, it has been classified as a Variant of Uncertain Significance.

Literature cited by the submitters: PubMed 17576681; PubMed 9536098.

NM_004069.6(AP2S1):c.267+4C>G

Gene: AP2S1 (adaptor related protein complex 2 subunit sigma 1; minus strand). Cytogenetic location: 19q13.32.
Variant type: single nucleotide variant.
Coding change: c.267+4C>G on transcript NM_004069.6 (MANE Select); 4 bases into the intron after coding-DNA position 267, C replaced by G.
Molecular consequence: intron variant.
Genome position (GRCh38, 1-based): chr19:46,839,461, G>C on the plus strand (C>G on the coding strand, the complement: AP2S1 is on the minus strand). VCF-style: chr19-46839461-G-C. GRCh37 (hg19) VCF-style: chr19-47342718-G-C.
Other names: c.154-662C>G (NM_021575.5); c.309+4C>G (NM_001301078.3); c.273+4C>G (NM_001301081.3); c.315+4C>G (NM_001301076.3).
Identifiers: ClinVar variation 999292 (VCV000999292.10), dbSNP rs776590608, ClinGen allele CA633418983.